The following is an entry in ClinVar:

NM_000465.4(BARD1):c.159-9T>A

Gene: BARD1 (BRCA1 associated RING domain 1; minus strand). Cytogenetic location: 2q35.
Variant type: single nucleotide variant.
Coding change: c.159-9T>A on transcript NM_000465.4 (MANE Select); 9 bases into the intron before coding-DNA position 159, T replaced by A.
Molecular consequence: intron variant.
Genome position (GRCh38, 1-based): chr2:214,797,126, A>T on the plus strand (T>A on the coding strand, the complement: BARD1 is on the minus strand). VCF-style: chr2-214797126-A-T. GRCh37 (hg19) VCF-style: chr2-215661850-A-T.
Other names: c.158+12286T>A (NM_001282548.2); c.159-4681T>A (NM_001282543.2); c.159-9T>A (NM_001282545.2, NM_001282549.2).
Identifiers: ClinVar variation 3076200 (VCV003076200.1), dbSNP rs2106145829, ClinGen allele CA2701537038.

ClinVar aggregate classification (germline): Uncertain significance (1 of 4 stars; one submission).

Conditions:
Hereditary cancer-predisposing syndrome. Also called: Neoplastic Syndromes, Hereditary; Tumor predisposition; Hereditary neoplastic syndrome; Hereditary Cancer Syndrome. Identifiers: Orphanet 140162, MedGen C0027672, MeSH D009386, MONDO:0015356.

Submission:

Ambry Genetics
Classification: Uncertain significance for Hereditary cancer-predisposing syndrome. Last evaluated: 2014-12-21. Review status: criteria provided, single submitter. Criteria: Ambry Variant Classification Scheme 2023. Collection method: clinical testing. Allele origin: germline.
Comment: The c.159-9T>A intronic alteration consists of a T to A substitution 9 nucleotides before coding exon 2 in the BARD1 gene. Based on insufficient or conflicting evidence, the clinical significance of this alteration remains unclear.